The following is an entry in ClinVar:

NM_000496.3(CRYBB2):c.446G>T (p.Gly149Val)

Gene: CRYBB2 (crystallin beta B2; plus strand). Cytogenetic location: 22q11.23.
Variant type: single nucleotide variant.
Coding change: c.446G>T on transcript NM_000496.3 (MANE Select); coding-DNA position 446, G replaced by T.
Protein change: p.Gly149Val; replaces glycine 149 with valine.
Molecular consequence: missense variant.
Genome position (GRCh38, 1-based): chr22:25,229,575, G>T. VCF-style: chr22-25229575-G-T. GRCh37 (hg19) VCF-style: chr22-25625542-G-T.
Other names: short protein forms G149V.
Identifiers: ClinVar variation 952559 (VCV000952559.9), dbSNP rs1935496594, ClinGen allele CA410988012.

ClinVar aggregate classification (germline): Likely pathogenic (1 of 4 stars; one submission).

Conditions:
Cataract 3 multiple types. Also called: CATARACT 3, MULTIPLE TYPES, WITH OR WITHOUT MICROCORNEA. Identifiers: Orphanet 1377, MedGen C1832175, MONDO:0011104, OMIM 601547.

Submission:

Labcorp Genetics (formerly Invitae), Labcorp
Classification: Likely pathogenic for Cataract 3 multiple types. Last evaluated: 2020-01-08. Review status: criteria provided, single submitter. Criteria: Invitae Variant Classification Sherloc (09022015). Collection method: clinical testing. Allele origin: germline.
Comment: In summary, the currently available evidence indicates that the variant is pathogenic, but additional data are needed to prove that conclusively. Therefore, this variant has been classified as Likely Pathogenic. This variant disrupts the p.Gly149 amino acid residue in CRYBB2. Other variant(s) that disrupt this residue have been determined to be pathogenic (PMID: 30450742). This suggests that this residue is clinically significant, and that variants that disrupt this residue are likely to be disease-causing. Algorithms developed to predict the effect of missense changes on protein structure and function (SIFT, PolyPhen-2, Align-GVGD) all suggest that this variant is likely to be disruptive, but these predictions have not been confirmed by published functional studies and their clinical significance is uncertain. This variant has been observed in individuals affected with congenital cataracts (PMID: 29386872, Invitae). This variant is not present in population databases (ExAC no frequency). This sequence change replaces glycine with valine at codon 149 of the CRYBB2 protein (p.Gly149Val). The glycine residue is highly conserved and there is a moderate physicochemical difference between glycine and valine.

Literature cited by the submitters: PubMed 30450742; PubMed 29386872.